The following is an entry in ClinVar:

ClinVar aggregate classification (germline): Uncertain significance (1 of 4 stars; one submission).

Conditions:
Anauxetic dysplasia. Identifiers: Orphanet 93347, MedGen C1846796, MONDO:0011773.

Allele frequency attached by ClinVar (database versions not stated): TOPMed 0.00001.
gnomAD v4.1: 1 of 693,810 alleles (0.00014%); highest among the groups gnomAD compares: Non-Finnish European, 0.00026%; no homozygotes.

Submission:

Labcorp Genetics (formerly Invitae), Labcorp
Classification: Uncertain significance for Anauxetic dysplasia. Last evaluated: 2022-07-26. Review status: criteria provided, single submitter. Criteria: Invitae Variant Classification Sherloc (09022015). Collection method: clinical testing. Allele origin: germline.
Comment: This variant occurs in the RMRP gene, which encodes an RNA molecule that does not result in a protein product. This variant is not present in population databases (gnomAD no frequency). This variant has not been reported in the literature in individuals affected with RMRP-related conditions. Experimental studies and prediction algorithms are not available or were not evaluated, and the functional significance of this variant is currently unknown. In summary, the available evidence is currently insufficient to determine the role of this variant in disease. Therefore, it has been classified as a Variant of Uncertain Significance.

NC_000009.12:g.35657847C>A

Gene: RMRP (RNA component of mitochondrial RNA processing endoribonuclease; minus strand). Cytogenetic location: 9p13.3.
Variant type: single nucleotide variant.
Genome position: GRCh38 VCF-style: chr9-35657847-C-A. GRCh37 (hg19) VCF-style: chr9-35657844-C-A.
Identifiers: ClinVar variation 2148176 (VCV002148176.1), dbSNP rs1352003526, ClinGen allele CA464450644.
Genomic context (GRCh38, chr9:35,657,847, plus strand): 5'-CGCGGACACGCACTGCCTGCGTAACTAGAGGGAGCTGACGGATGACGCCCCCGCGCCACG[C>A]CGCTCAGCGGGATACGCTTCTTGGCGGACTTTGGAGTGGGAAGCGGGGAATGTCTACGTG-3'